The following is an entry in ClinVar:

NM_007294.4(BRCA1):c.1357G>C (p.Glu453Gln)

Gene: BRCA1 (BRCA1 DNA repair associated; minus strand). Cytogenetic location: 17q21.31.
Variant type: single nucleotide variant.
Coding change: c.1357G>C on transcript NM_007294.4 (MANE Select); coding-DNA position 1357, G replaced by C.
Protein change: p.Glu453Gln; replaces glutamic acid 453 with glutamine.
Molecular consequence: missense variant. On other transcripts: intron variant (137).
Genome position (GRCh38, 1-based): chr17:43,094,174, C>G on the plus strand (G>C on the coding strand, the complement: BRCA1 is on the minus strand). VCF-style: chr17-43094174-C-G. GRCh37 (hg19) VCF-style: chr17-41246191-C-G.
Other names: c.1147G>C, p.Glu383Gln (NM_001407879.1, NM_001407881.1, NM_001407882.1 and 13 more transcripts); c.1144G>C, p.Glu382Gln (NM_001407894.1, NM_001407895.1, NM_001407896.1 and 9 more transcripts); c.1234G>C, p.Glu412Gln (NM_001407919.1, NM_001407937.1, NM_001407938.1 and 19 more transcripts); c.1093G>C, p.Glu365Gln (NM_001407920.1, NM_001407921.1, NM_001407922.1 and 9 more transcripts); c.1090G>C, p.Glu364Gln (NM_001407930.1, NM_001407931.1, NM_001407932.1 and 2 more transcripts); c.1231G>C, p.Glu411Gln (NM_001407940.1, NM_001407941.1, NM_001407649.1 and 11 more transcripts); c.1216G>C, p.Glu406Gln (NM_001407942.1, NM_001407944.1, NM_001407945.1 and 29 more transcripts); c.1213G>C, p.Glu405Gln (NM_001407943.1, NM_001407964.1, NM_001407740.1 and 20 more transcripts); and 40 more; short protein forms E453Q, E406Q, E341Q, E342Q, E382Q, E411Q, E285Q, E386Q.
Identifiers: ClinVar variation 423223 (VCV000423223.20), dbSNP rs768054411, ClinGen allele CA057176.

ClinVar aggregate classification (germline): Conflicting classifications of pathogenicity. Review status: criteria provided, conflicting classifications (1 of 4 stars). 6 submissions from 6 submitters: Uncertain significance (4); Likely benign (2). Last evaluated 2025-09-19.

Conditions:
Hereditary cancer-predisposing syndrome. Also called: Hereditary neoplastic syndrome; Neoplastic Syndromes, Hereditary; Tumor predisposition; Hereditary Cancer Syndrome. Identifiers: Orphanet 140162, MedGen C0027672, MeSH D009386, MONDO:0015356.
Hereditary breast ovarian cancer syndrome. Also called: BRCA1- and BRCA2-Associated Hereditary Breast and Ovarian Cancer; Hereditary breast and/or ovarian cancer syndrome; Hereditary breast and ovarian cancer syndrome; Hereditary breast and ovarian cancer; Hereditary breast and ovarian cancer syndrome (HBOC); Breast and ovarian cancer. Identifiers: Orphanet 145, MedGen C0677776, MeSH D061325, MONDO:0003582. Disease mechanism: loss of function.

Allele frequency attached by ClinVar (database versions not stated): gnomAD exomes below 0.00001; ExAC 0.00001; gnomAD 0.00002; TOPMed 0.00002.
gnomAD v4.1: 7 of 1,613,946 alleles (0.00043%); highest among the groups gnomAD compares: African/African-American, 0.0053%; no homozygotes.

Submissions (6):

Labcorp Genetics (formerly Invitae), Labcorp
Classification: Uncertain significance for Hereditary breast ovarian cancer syndrome. Last evaluated: 2025-09-19. Review status: criteria provided, single submitter. Criteria: Invitae Variant Classification Sherloc (09022015). Collection method: clinical testing. Allele origin: germline.
Comment: This sequence change replaces glutamic acid, which is acidic and polar, with glutamine, which is neutral and polar, at codon 453 of the BRCA1 protein (p.Glu453Gln). This variant is present in population databases (rs768054411, gnomAD 0.006%). This missense change has been observed in individual(s) with hereditary breast and/or ovarian cancer (PMID: 29176636, 30287823, 31907386, 32803532, 33875706). ClinVar contains an entry for this variant (Variation ID: 423223). Invitae Evidence Modeling of protein sequence and biophysical properties (such as structural, functional, and spatial information, amino acid conservation, physicochemical variation, residue mobility, and thermodynamic stability) indicates that this missense variant is expected to disrupt BRCA1 protein function with a positive predictive value of 80%. Experimental studies have shown that this missense change does not substantially affect BRCA1 function (PMID: 37731132). In summary, the available evidence is currently insufficient to determine the role of this variant in disease. Therefore, it has been classified as a Variant of Uncertain Significance.

Quest Diagnostics Nichols Institute San Juan Capistrano
Classification: Uncertain significance. Last evaluated: 2023-08-09. Review status: criteria provided, single submitter. Criteria: Quest Diagnostics criteria. Collection method: clinical testing. Allele origin: unknown.
Comment: In the published literature, this variant has been reported in individuals with breast cancer (PMID: 33875706 (2021), 33471991 (2021), 32803532 (2020), 30287823 (2018)), prostate cancer (PMID: 31214711 (2020)), and bladder cancer (PMID: 34232950 (2021)). This variant has also been reported in unaffected individuals (PMID: 32467295 (2020), 31214711 (2020), 30287823 (2018)). The frequency of this variant in the general population, 0.00002 (3/152194 chromosomes (Genome Aggregation Database)), is uninformative in the assessment of its pathogenicity. Analysis of this variant using bioinformatics tools for the prediction of the effect of amino acid changes on protein structure and function yielded conflicting predictions that this variant is benign or damaging. Based on the available information, we are unable to determine the clinical significance of this variant.

University of Washington Department of Laboratory Medicine, University of Washington
Classification: Likely benign for Hereditary cancer-predisposing syndrome. Last evaluated: 2023-03-23. Review status: criteria provided, single submitter. Criteria: Dines et al. (Genet Med. 2020). Collection method: curation. Allele origin: germline.
Comment: Missense variant in a coldspot region where missense variants are very unlikely to be pathogenic (PMID:31911673).

BRCA1 coldspot (exon 11 using historical exon numbering). Reclassification based on statistical prior probability

Ambry Genetics
Classification: Likely benign for Hereditary cancer-predisposing syndrome. Last evaluated: 2019-07-01. Review status: criteria provided, single submitter. Criteria: Ambry Variant Classification Scheme 2023. Collection method: clinical testing. Allele origin: germline.

Women's Health and Genetics/Laboratory Corporation of America, LabCorp
Classification: Uncertain significance. Last evaluated: 2017-04-21. Review status: criteria provided, single submitter. Criteria: LabCorp Variant Classification Summary - May 2015. Collection method: clinical testing. Allele origin: germline.
Comment: Variant summary: The BRCA1 c.1357G>C (p.Glu453Gln) variant involves the alteration of a non-conserved nucleotide, predicted to be damaging by 2/4 in silico tools (SNPs&GO not captured due to low reliability index), and is located in Serine Rich (S-R) domain of the protein. This variant was found in 1/121328 control chromosomes from ExAC at a frequency of 0.0000082, which does not exceed the estimated maximal expected allele frequency of a pathogenic BRCA1 variant (0.0010005). The variant of interest has not, to our knowledge, been reported in affected individuals via publications and/or reputable databases/clinical diagnostic laboratories, nor evaluated for functional impact by in vivo/vitro studies. Nearby region of this codon is not highly clustered with disease-causing mutations (ref. HGMD). Because of the absence of clinical information and the lack of functional studies, the variant is classified as a variant of uncertain significance (VUS) until additional information becomes available.

GeneDx
Classification: Uncertain significance. Last evaluated: 2017-01-26. Review status: criteria provided, single submitter. Criteria: GeneDx Variant Classification (06012015). Collection method: clinical testing. Allele origin: germline. Affected: yes.
Comment: This variant is denoted BRCA1 c.1357G>C at the cDNA level, p.Glu453Gln (E453Q) at the protein level, and results in the change of a Glutamic Acid to a Glutamine (GAG>CAG). Using alternate nomenclature, this variant would be defined as BRCA1 1476G>C. This variant has not, to our knowledge, been published in the literature as pathogenic or benign. BRCA1 Glu453Gln was not observed in approximately 6,500 individuals of European and African American ancestry in the NHLBI Exome Sequencing Project, suggesting it is not a common benign variant in these populations. Since Glutamic Acid and Glutamine differ in some properties, this is considered a semi-conservative amino acid substitution. BRCA1 Glu453Gln occurs at a position that is not conserved and is located in the DNA binding domain and the region known to interact with multiple proteins (Narod 2004, Paul 2014). In silico analyses are inconsistent regarding the effect this variant may have on protein structure and function. Based on currently available evidence, it is unclear whether BRCA1 Glu453Gln is pathogenic or benign. We consider it to be a variant of uncertain significance.

Literature cited by the submitters: PubMed 29176636 (cited by 3 submitters); PubMed 30287823 (cited by 3 submitters); PubMed 31907386 (cited by Labcorp Genetics (formerly Invitae), Labcorp and Quest Diagnostics Nichols Institute San Juan Capistrano); PubMed 32803532 (cited by Labcorp Genetics (formerly Invitae), Labcorp and Quest Diagnostics Nichols Institute San Juan Capistrano); PubMed 33875706 (cited by Labcorp Genetics (formerly Invitae), Labcorp and Quest Diagnostics Nichols Institute San Juan Capistrano); PubMed 37731132 (cited by Labcorp Genetics (formerly Invitae), Labcorp); PubMed 29884841 (cited by Quest Diagnostics Nichols Institute San Juan Capistrano); PubMed 35273153 (cited by Quest Diagnostics Nichols Institute San Juan Capistrano); PubMed 32554602 (cited by Quest Diagnostics Nichols Institute San Juan Capistrano); PubMed 33087888 (cited by Quest Diagnostics Nichols Institute San Juan Capistrano); PubMed 31214711 (cited by Quest Diagnostics Nichols Institute San Juan Capistrano); PubMed 33471991 (cited by Quest Diagnostics Nichols Institute San Juan Capistrano); PubMed 32467295 (cited by Quest Diagnostics Nichols Institute San Juan Capistrano); PubMed 34232950 (cited by Quest Diagnostics Nichols Institute San Juan Capistrano).